The following is an entry in ClinVar:

NM_017763.6(RNF43):c.1725C>A (p.Val575=)

Gene: RNF43 (ring finger protein 43; minus strand). Cytogenetic location: 17q22.
Variant type: single nucleotide variant.
Coding change: c.1725C>A on transcript NM_017763.6 (MANE Select); coding-DNA position 1725, C replaced by A.
Protein change: p.Val575=; no amino-acid change (valine 575 retained).
Molecular consequence: synonymous variant.
Genome position (GRCh38, 1-based): chr17:58,358,051, G>T on the plus strand (C>A on the coding strand, the complement: RNF43 is on the minus strand). VCF-style: chr17-58358051-G-T. GRCh37 (hg19) VCF-style: chr17-56435412-G-T.
Other names: c.1725C>A, p.Val575= (NM_001305544.3, NM_001438820.1, NM_001438821.1 and 1 more transcripts); c.1344C>A, p.Val448= (NM_001305545.2, NM_001437987.1).
Identifiers: ClinVar variation 4863390 (VCV004863390.2).

ClinVar aggregate classification (germline): Benign/Likely benign. Review status: criteria provided, multiple submitters, no conflicts (2 of 4 stars). 2 submissions from 2 submitters: Benign (1); Likely benign (1). Last evaluated 2026-07-02.

Conditions:
Sessile serrated polyposis cancer syndrome (SSPCS). Identifiers: Orphanet 157798, MedGen C4310714, MONDO:0014919, OMIM 617108.

gnomAD v4.1: 2 of 1,590,626 alleles (0.00013%); highest among the groups gnomAD compares: Non-Finnish European, 0.00017%; no homozygotes.

Submissions (2):

Myriad Genetics, Inc.
Classification: Benign for Sessile serrated polyposis cancer syndrome. Last evaluated: 2026-07-02. Review status: criteria provided, single submitter. Criteria: Myriad Autosomal Dominant, Autosomal Recessive and X-Linked Classification Criteria (2023). Collection method: clinical testing. Allele origin: unknown.
Comment: This variant is considered benign. This variant is a silent/synonymous amino acid change and it is not expected to impact splicing.

Ambry Genetics
Classification: Likely benign. Last evaluated: 2026-04-04. Review status: criteria provided, single submitter. Criteria: Ambry Variant Classification Scheme 2023. Collection method: clinical testing. Allele origin: germline.